The following is an entry in ClinVar:

NM_000218.3(KCNQ1):c.1432C>A (p.His478Asn)

Genes: KCNQ1 (potassium voltage-gated channel subfamily Q member 1; plus strand), KCNQ1OT1 (KCNQ1 opposite strand/antisense transcript 1; minus strand). Cytogenetic location: 11p15.5.
Variant type: single nucleotide variant.
Coding change: c.1432C>A on transcript NM_000218.3 (MANE Select); coding-DNA position 1432, C replaced by A.
Protein change: p.His478Asn; replaces histidine 478 with asparagine.
Molecular consequence: missense variant. On other transcripts: non-coding transcript variant (1).
Genome position (GRCh38, 1-based): chr11:2,661,999, C>A. VCF-style: chr11-2661999-C-A. GRCh37 (hg19) VCF-style: chr11-2683229-C-A.
Other names: c.1336C>A, p.His446Asn (NM_001406836.1); c.1162C>A, p.His388Asn (NM_001406837.1); c.892C>A, p.His298Asn (NM_001406838.1); c.1051C>A, p.His351Asn (NM_181798.2); short protein forms H478N, H388N, H446N, H298N, H351N.
Identifiers: ClinVar variation 2842492 (VCV002842492.3), dbSNP rs1351846053, ClinGen allele CA379479493.

ClinVar aggregate classification (germline): Uncertain significance (1 of 4 stars; one submission).

Conditions:
Long QT syndrome (LQTS). Identifiers: MedGen C0023976, MeSH D008133, MONDO:0002442. Disease mechanism: loss of function. Inheritance: Various modes of inheritance.

Submission:

Labcorp Genetics (formerly Invitae), Labcorp
Classification: Uncertain significance for Long QT syndrome. Last evaluated: 2023-03-03. Review status: criteria provided, single submitter. Criteria: Invitae Variant Classification Sherloc (09022015). Collection method: clinical testing. Allele origin: germline.
Comment: This sequence change replaces histidine, which is basic and polar, with asparagine, which is neutral and polar, at codon 478 of the KCNQ1 protein (p.His478Asn). This variant is not present in population databases (gnomAD no frequency). This variant has not been reported in the literature in individuals affected with KCNQ1-related conditions. Advanced modeling of protein sequence and biophysical properties (such as structural, functional, and spatial information, amino acid conservation, physicochemical variation, residue mobility, and thermodynamic stability) performed at Invitae indicates that this missense variant is not expected to disrupt KCNQ1 protein function. In summary, the available evidence is currently insufficient to determine the role of this variant in disease. Therefore, it has been classified as a Variant of Uncertain Significance.